The following is an entry in ClinVar:

ClinVar aggregate classification (germline): Uncertain significance (1 of 4 stars; one submission).

Conditions:
Familial thoracic aortic aneurysm and aortic dissection (TAAD). Also called: Thoracic aortic aneurysms and dissections. Identifiers: Orphanet 91387, MedGen C4707243, MONDO:0019625.

Submission:

Ambry Genetics
Classification: Uncertain significance for Familial thoracic aortic aneurysm and aortic dissection. Last evaluated: 2025-08-19. Review status: criteria provided, single submitter. Criteria: Ambry Variant Classification Scheme 2023. Collection method: clinical testing. Allele origin: germline.
Comment: The p.V2455I variant (also known as c.7363G>A), located in coding exon 58 of the FBN2 gene, results from a G to A substitution at nucleotide position 7363. The valine at codon 2455 is replaced by isoleucine, an amino acid with highly similar properties. This amino acid position is highly conserved in available vertebrate species. In addition, the in silico prediction for this alteration is inconclusive. Based on the available evidence, the clinical significance of this variant remains unclear.

NM_001999.4(FBN2):c.7363G>A (p.Val2455Ile)

Gene: FBN2 (fibrillin 2; minus strand). Cytogenetic location: 5q23.3.
Variant type: single nucleotide variant.
Coding change: c.7363G>A on transcript NM_001999.4 (MANE Select); coding-DNA position 7363, G replaced by A.
Protein change: p.Val2455Ile; replaces valine 2455 with isoleucine.
Molecular consequence: missense variant.
Genome position (GRCh38, 1-based): chr5:128,277,988, C>T on the plus strand (G>A on the coding strand, the complement: FBN2 is on the minus strand). VCF-style: chr5-128277988-C-T. GRCh37 (hg19) VCF-style: chr5-127613680-C-T.
Other names: short protein forms V2455I.
Identifiers: ClinVar variation 4255500 (VCV004255500.1).